The following is an entry in ClinVar:

NM_001040108.2(MLH3):c.3299A>C (p.Gln1100Pro)

Gene: MLH3 (mutL homolog 3; minus strand). Cytogenetic location: 14q24.3.
Variant type: single nucleotide variant.
Coding change: c.3299A>C on transcript NM_001040108.2 (MANE Select); coding-DNA position 3299, A replaced by C.
Protein change: p.Gln1100Pro; replaces glutamine 1100 with proline.
Molecular consequence: missense variant.
Genome position (GRCh38, 1-based): chr14:75,042,459, T>G on the plus strand (A>C on the coding strand, the complement: MLH3 is on the minus strand). VCF-style: chr14-75042459-T-G. GRCh37 (hg19) VCF-style: chr14-75509162-T-G.
Other names: c.3299A>C, p.Gln1100Pro (NM_014381.3); short protein forms Q1100P.
Identifiers: ClinVar variation 3396704 (VCV003396704.1).

ClinVar aggregate classification (germline): Uncertain significance (1 of 4 stars; one submission).

Submission:

Ambry Genetics
Classification: Uncertain significance. Last evaluated: 2024-09-02. Review status: criteria provided, single submitter. Criteria: Ambry Variant Classification Scheme 2023. Collection method: clinical testing. Allele origin: germline.
Comment: The p.Q1100P variant (also known as c.3299A>C), located in coding exon 2 of the MLH3 gene, results from an A to C substitution at nucleotide position 3299. The glutamine at codon 1100 is replaced by proline, an amino acid with similar properties. This amino acid position is conserved. In addition, the in silico prediction for this alteration is inconclusive. Based on the available evidence, the clinical significance of this variant remains unclear.